The following is an entry in ClinVar:

NM_004933.3(CDH15):c.828G>C (p.Val276=)

Gene: CDH15 (cadherin 15; plus strand). Cytogenetic location: 16q24.3.
Variant type: single nucleotide variant.
Coding change: c.828G>C on transcript NM_004933.3 (MANE Select); coding-DNA position 828, G replaced by C.
Protein change: p.Val276=; no amino-acid change (valine 276 retained).
Molecular consequence: synonymous variant.
Genome position (GRCh38, 1-based): chr16:89,188,135, G>C. VCF-style: chr16-89188135-G-C. GRCh37 (hg19) VCF-style: chr16-89254543-G-C.
Identifiers: ClinVar variation 2672664 (VCV002672664.23), dbSNP rs776039163, ClinGen allele CA497148349.

ClinVar aggregate classification (germline): Likely benign (1 of 4 stars; one submission).

Submission:

CeGaT Center for Human Genetics Tuebingen
Classification: Likely benign. Last evaluated: 2023-11-01. Review status: criteria provided, single submitter. Criteria: CeGaT Center For Human Genetics Tuebingen Variant Classification Criteria Version 2. Collection method: clinical testing. Allele origin: germline. Affected: yes. Observed: 1 variant allele.
Comment: CDH15: PM2:Supporting, BP4, BP7